The following is an entry in ClinVar:

ClinVar aggregate classification (germline): Uncertain significance. Review status: criteria provided, multiple submitters, no conflicts (2 of 4 stars). 3 submissions from 3 submitters: Uncertain significance (3). Last evaluated 2025-08-12.

Allele frequency attached by ClinVar (database versions not stated): gnomAD 0.00002 and 0.00003; TOPMed 0.00002; 1000 Genomes Project 30x 0.00062.
gnomAD v4.1: 71 of 1,405,362 alleles (0.0051%); highest among the groups gnomAD compares: Admixed American, 0.011%; no homozygotes.

Submissions (3):

Ambry Genetics
Classification: Uncertain significance. Last evaluated: 2025-08-12. Review status: criteria provided, single submitter. Criteria: Ambry Variant Classification Scheme 2023. Collection method: clinical testing. Allele origin: germline.

Labcorp Genetics (formerly Invitae), Labcorp
Classification: Uncertain significance. Last evaluated: 2025-02-02. Review status: criteria provided, single submitter. Criteria: Invitae Variant Classification Sherloc (09022015). Collection method: clinical testing. Allele origin: germline.
Comment: This sequence change replaces serine, which is neutral and polar, with leucine, which is neutral and non-polar, at codon 2 of the RP9 protein (p.Ser2Leu). The frequency data for this variant in the population databases is considered unreliable, as metrics indicate poor data quality at this position in the gnomAD database. This variant has not been reported in the literature in individuals affected with RP9-related conditions. ClinVar contains an entry for this variant (Variation ID: 423191). An algorithm developed to predict the effect of missense changes on protein structure and function (PolyPhen-2) suggests that this variant is likely to be disruptive. In summary, the available evidence is currently insufficient to determine the role of this variant in disease. Therefore, it has been classified as a Variant of Uncertain Significance.

GeneDx
Classification: Uncertain significance. Last evaluated: 2017-02-02. Review status: criteria provided, single submitter. Criteria: GeneDx Variant Classification (06012015). Collection method: clinical testing. Allele origin: germline. Affected: yes.
Comment: The SL2 variant in the RP9 gene has not been reported previously as a pathogenic variant, nor as a benign variant, to our knowledge. The S2L variant is not observed at a significant frequency in large population cohorts (Lek et al., 2016; 1000 Genomes Consortium et al., 2015; Exome Variant Server). The S2L variant is a non-conservative amino acid substitution, which is likely to impact secondary protein structure as these residues differ in polarity, charge, size and/or other properties. This substitution occurs at a position that is conserved in mammals. In silico analysis is inconsistent in its predictions as to whether or not the variant is damaging to the protein structure/function. We interpret S2L as a variant of uncertain significance.

NM_203288.2(RP9):c.5C>T (p.Ser2Leu)

Genes: RP9 (RP9 pre-mRNA splicing factor; minus strand), LOC129998225 (ATAC-STARR-seq lymphoblastoid silent region 18090; plus strand). Cytogenetic location: 7p14.3.
Variant type: single nucleotide variant.
Coding change: c.5C>T on transcript NM_203288.2 (MANE Select); coding-DNA position 5, C replaced by T.
Protein change: p.Ser2Leu; replaces serine 2 with leucine.
Molecular consequence: missense variant.
Genome position (GRCh38, 1-based): chr7:33,109,368, G>A on the plus strand (C>T on the coding strand, the complement: RP9 is on the minus strand). VCF-style: chr7-33109368-G-A. GRCh37 (hg19) VCF-style: chr7-33148980-G-A.
Other names: short protein forms S2L.
Identifiers: ClinVar variation 423191 (VCV000423191.6), dbSNP rs1010772189, ClinGen allele CA16618455.